The following is an entry in ClinVar:

NM_001111.5(ADAR):c.1169T>G (p.Leu390Arg)

Gene: ADAR (adenosine deaminase RNA specific; minus strand). Cytogenetic location: 1q21.3.
Variant type: single nucleotide variant.
Coding change: c.1169T>G on transcript NM_001111.5 (MANE Select); coding-DNA position 1169, T replaced by G.
Protein change: p.Leu390Arg; replaces leucine 390 with arginine.
Molecular consequence: missense variant.
Genome position (GRCh38, 1-based): chr1:154,601,473, A>C on the plus strand (T>G on the coding strand, the complement: ADAR is on the minus strand). VCF-style: chr1-154601473-A-C. GRCh37 (hg19) VCF-style: chr1-154573949-A-C.
Other names: c.1196T>G, p.Leu399Arg (NM_001365045.1); c.284T>G, p.Leu95Arg (NM_001365046.1, NM_001365047.1, NM_001365048.1 and 3 more transcripts); c.1169T>G, p.Leu390Arg (NM_015840.4, NM_015841.4); short protein forms L390R, L399R, L95R.
Identifiers: ClinVar variation 3758580 (VCV003758580.2).

ClinVar aggregate classification (germline): Uncertain significance (1 of 4 stars; one submission).

Conditions:
Symmetrical dyschromatosis of extremities (DSH). Also called: DYSCHROMATOSIS SYMMETRICA HEREDITARIA 1; RETICULATE ACROPIGMENTATION OF DOHI; SYMMETRIC DYSCHROMATOSIS OF THE EXTREMITIES; Dyschromatosis symmetrica hereditaria. Identifiers: Orphanet 41, MedGen C0406775, MONDO:0007483, OMIM 127400.
Aicardi-Goutieres syndrome 6 (AGS6). Identifiers: Orphanet 51, MedGen C3539013, MONDO:0014007, OMIM 615010.

Submission:

Labcorp Genetics (formerly Invitae), Labcorp
Classification: Uncertain significance for Aicardi-Goutieres syndrome 6; Symmetrical dyschromatosis of extremities. Last evaluated: 2024-09-19. Review status: criteria provided, single submitter. Criteria: Invitae Variant Classification Sherloc (09022015). Collection method: clinical testing. Allele origin: germline.
Comment: This sequence change replaces leucine, which is neutral and non-polar, with arginine, which is basic and polar, at codon 390 of the ADAR protein (p.Leu390Arg). This variant is not present in population databases (gnomAD no frequency). This variant has not been reported in the literature in individuals affected with ADAR-related conditions. Invitae Evidence Modeling of protein sequence and biophysical properties (such as structural, functional, and spatial information, amino acid conservation, physicochemical variation, residue mobility, and thermodynamic stability) indicates that this missense variant is not expected to disrupt ADAR protein function with a negative predictive value of 80%. In summary, the available evidence is currently insufficient to determine the role of this variant in disease. Therefore, it has been classified as a Variant of Uncertain Significance.